The following is an entry in ClinVar:

NM_006180.6(NTRK2):c.331T>C (p.Phe111Leu)

Gene: NTRK2 (neurotrophic receptor tyrosine kinase 2; plus strand). Cytogenetic location: 9q21.33.
Variant type: single nucleotide variant.
Coding change: c.331T>C on transcript NM_006180.6 (MANE Select); coding-DNA position 331, T replaced by C.
Protein change: p.Phe111Leu; replaces phenylalanine 111 with leucine.
Molecular consequence: missense variant. On other transcripts: 5 prime UTR variant (4).
Genome position (GRCh38, 1-based): chr9:84,702,391, T>C. VCF-style: chr9-84702391-T-C. GRCh37 (hg19) VCF-style: chr9-87317306-T-C.
Other names: c.331T>C, p.Phe111Leu (NM_001007097.3, NM_001018064.3, NM_001018065.2 and 18 more transcripts); c.-138T>C (NM_001369535.1, NM_001369536.1, NM_001369550.1 and 1 more transcripts); short protein forms F111L.
Identifiers: ClinVar variation 3354085 (VCV003354085.1).

ClinVar aggregate classification (germline): Uncertain significance (0 of 4 stars; one submission).

Conditions:
NTRK2-related disorder. Also called: NTRK2-related condition.

gnomAD v4.1: 3 of 1,614,228 alleles (0.00019%); highest among the groups gnomAD compares: Non-Finnish European, 0.00025%; no homozygotes.

Submission:

PreventionGenetics, part of Exact Sciences
Classification: Uncertain significance for NTRK2-related condition. Last evaluated: 2023-11-10. Review status: no assertion criteria provided. Collection method: clinical testing. Allele origin: germline.
Comment: The NTRK2 c.331T>C variant is predicted to result in the amino acid substitution p.Phe111Leu. To our knowledge, this variant has not been reported in the literature or in a large population database, indicating this variant is rare. At this time, the clinical significance of this variant is uncertain due to the absence of conclusive functional and genetic evidence.